The following is an entry in ClinVar:

ClinVar aggregate classification (germline): Uncertain significance (1 of 4 stars; one submission).

gnomAD v4.1: 31 of 1,581,502 alleles (0.002%); highest among the groups gnomAD compares: South Asian, 0.016%; no homozygotes.

Submission:

Dasa
Classification: Uncertain significance. Last evaluated: 2024-10-31. Review status: criteria provided, single submitter. Criteria: DASA Assertion Criteria. Collection method: clinical testing. Allele origin: germline.
Comment: NM_005883.3(APC2):c.491A>G (p.Lys164Arg) is a missense variant that results in the substitution of lysine with arginine. This variant is rare in population databases. Computational prediction algorithms are consistent with a benign effect. The currently available literature and clinical evidence are not sufficient to establish a definitive association between this variant and the reported condition. Therefore, this variant is classified as a variant of uncertain significance.

NM_005883.3(APC2):c.491A>G (p.Lys164Arg)

Gene: APC2 (APC regulator of Wnt signaling pathway 2; plus strand). Cytogenetic location: 19p13.3.
Variant type: single nucleotide variant.
Coding change: c.491A>G on transcript NM_005883.3 (MANE Select); coding-DNA position 491, A replaced by G.
Protein change: p.Lys164Arg; replaces lysine 164 with arginine.
Molecular consequence: missense variant.
Genome position (GRCh38, 1-based): chr19:1,455,226, A>G. VCF-style: chr19-1455226-A-G. GRCh37 (hg19) VCF-style: chr19-1455225-A-G.
Other names: c.491A>G, p.Lys164Arg (NM_001351273.1); short protein forms K164R.
Identifiers: ClinVar variation 4886645 (VCV004886645.2).